The following is an entry in ClinVar:

NM_130839.5(UBE3A):c.696T>C (p.Asp232=)

Genes: SNHG14 (small nucleolar RNA host gene 14; plus strand), UBE3A (ubiquitin protein ligase E3A; minus strand). Cytogenetic location: 15q11.2.
Variant type: single nucleotide variant.
Coding change: c.696T>C on transcript NM_130839.5 (MANE Select); coding-DNA position 696, T replaced by C.
Protein change: p.Asp232=; no amino-acid change (aspartic acid 232 retained).
Molecular consequence: synonymous variant. On other transcripts: non-coding transcript variant (1), intron variant (2).
Genome position (GRCh38, 1-based): chr15:25,371,478, A>G on the plus strand (T>C on the coding strand, the complement: UBE3A is on the minus strand). VCF-style: chr15-25371478-A-G. GRCh37 (hg19) VCF-style: chr15-25616625-A-G.
Other names: c.705T>C, p.Asp235= (NM_000462.5); c.696T>C, p.Asp232= (NM_001354505.1, NM_001354538.2, NM_001354545.2); c.636T>C, p.Asp212= (NM_001354506.2, NM_001354507.2, NM_001354508.2 and 17 more transcripts); c.519T>C, p.Asp173= (NM_001354546.2); c.301+3987T>C (NM_001354551.2); c.361+3987T>C (NM_001354550.2).
Identifiers: ClinVar variation 389114 (VCV000389114.8), dbSNP rs1057523332, ClinGen allele CA16606645.

ClinVar aggregate classification (germline): Likely benign. Review status: criteria provided, multiple submitters, no conflicts (2 of 4 stars). 2 submissions from 2 submitters: Likely benign (2). Last evaluated 2021-08-07.

Conditions:
Angelman syndrome (AS). Also called: HAPPY PUPPET SYNDROME. Identifiers: Orphanet 72, MedGen C0162635, MONDO:0007113, OMIM 105830. Disease mechanism: loss of function. Inheritance: imprinting disorder, AS is caused by disruption of maternally imprinted UBE3A located within the 15q11.2-q13 Angelman syndrome/Prader-Willi syndrome (AS/PWS) region..

Submissions (2):

Labcorp Genetics (formerly Invitae), Labcorp
Classification: Likely benign for Angelman syndrome. Last evaluated: 2021-08-07. Review status: criteria provided, single submitter. Criteria: Invitae Variant Classification Sherloc (09022015). Collection method: clinical testing. Allele origin: germline.

GeneDx
Classification: Likely benign. Last evaluated: 2016-09-21. Review status: criteria provided, single submitter. Criteria: GeneDx Variant Classification (06012015). Collection method: clinical testing. Allele origin: germline. Affected: yes.
Comment: This variant is considered likely benign or benign based on one or more of the following criteria: it is a conservative change, it occurs at a poorly conserved position in the protein, it is predicted to be benign by multiple in silico algorithms, and/or has population frequency not consistent with disease.